The following is an entry in ClinVar:

ClinVar aggregate classification (germline): Pathogenic. Review status: criteria provided, multiple submitters, no conflicts (2 of 4 stars). 3 submissions from 3 submitters: Pathogenic (3). Last evaluated 2024-02-13.

Conditions:
Inborn genetic diseases. Identifiers: MedGen C0950123, MeSH D030342.
Cortical dysplasia-focal epilepsy syndrome (PTHSL1). Also called: Pitt-Hopkins-like syndrome 1. Identifiers: Orphanet 163681, Orphanet 221150, MedGen C2750246, MONDO:0012400, OMIM 610042.

Submissions (3):

GeneDx
Classification: Pathogenic. Last evaluated: 2024-02-13. Review status: criteria provided, single submitter. Criteria: GeneDx Variant Classification Process June 2021. Collection method: clinical testing. Allele origin: germline. Affected: yes.
Comment: Nonsense variant predicted to result in protein truncation or nonsense mediated decay in a gene for which loss-of-function is a known mechanism of disease; Not observed at significant frequency in large population cohorts (gnomAD); This variant is associated with the following publications: (PMID: 31440721)

Labcorp Genetics (formerly Invitae), Labcorp
Classification: Pathogenic for Cortical dysplasia-focal epilepsy syndrome. Last evaluated: 2022-10-05. Review status: criteria provided, single submitter. Criteria: Invitae Variant Classification Sherloc (09022015). Collection method: clinical testing. Allele origin: germline.
Comment: This variant is present in population databases (no rsID available, gnomAD 0.003%). For these reasons, this variant has been classified as Pathogenic. ClinVar contains an entry for this variant (Variation ID: 468417). This variant has not been reported in the literature in individuals affected with CNTNAP2-related conditions. This sequence change creates a premature translational stop signal (p.Cys563*) in the CNTNAP2 gene. It is expected to result in an absent or disrupted protein product. Loss-of-function variants in CNTNAP2 are known to be pathogenic (PMID: 19896112, 21827697, 25045150, 26843181, 27439707).

Ambry Genetics
Classification: Pathogenic for Inborn genetic diseases. Last evaluated: 2022-08-22. Review status: criteria provided, single submitter. Criteria: Ambry Variant Classification Scheme 2023. Collection method: clinical testing. Allele origin: germline.
Comment: The c.1689_1690delTG (p.C563*) alteration, located in coding exon 11 of the CNTNAP2 gene, consists of a deletion of 2 nucleotides at position 1689 to 1690. This changes the amino acid from a cysteine (C) to a stop codon at amino acid position 563. This alteration is expected to result in loss of function by premature protein truncation or nonsense-mediated mRNA decay. Based on the available evidence, this alteration is classified as pathogenic.

Literature cited by the submitters: PubMed 19896112 (cited by Labcorp Genetics (formerly Invitae), Labcorp); PubMed 21827697 (cited by Labcorp Genetics (formerly Invitae), Labcorp); PubMed 25045150 (cited by Labcorp Genetics (formerly Invitae), Labcorp); PubMed 26843181 (cited by Labcorp Genetics (formerly Invitae), Labcorp); PubMed 27439707 (cited by Labcorp Genetics (formerly Invitae), Labcorp).

NM_014141.6(CNTNAP2):c.1689_1690del (p.Cys563_Glu564delinsTer)

Gene: CNTNAP2 (contactin associated protein 2; plus strand). Cytogenetic location: 7q35.
Variant type: Microsatellite.
Coding change: c.1689_1690del on transcript NM_014141.6 (MANE Select); coding-DNA positions 1689 to 1690, 2 bases deleted (TG; older notation c.1689_1690delTG).
Protein change: p.Cys563_Glu564delinsTer.
Molecular consequence: nonsense.
Genome position (GRCh38, 1-based): chr7:147,485,953-147,485,954, TG deleted; deleting any 2 consecutive bases within chr7:147,485,951-147,485,954 gives the same sequence; the c. name uses the placement nearest the transcript's 3' end. VCF-style (leftmost placement, unchanged base first): chr7-147485950-CTG-C. GRCh37 (hg19) VCF-style: chr7-147183042-CTG-C.
Other names: c.1689_1690del (NM_014141.5).
Identifiers: ClinVar variation 468417 (VCV000468417.14), dbSNP rs1554490549, ClinGen allele CA578847760.